The following is an entry in ClinVar:

NM_022072.5(NSUN3):c.172C>T (p.Arg58Ter)

Gene: NSUN3 (NOP2/Sun RNA methyltransferase 3; plus strand). Cytogenetic location: 3q11.2.
Variant type: single nucleotide variant.
Coding change: c.172C>T on transcript NM_022072.5 (MANE Select); coding-DNA position 172, C replaced by T.
Protein change: p.Arg58Ter; replaces arginine 58 with a stop codon.
Molecular consequence: nonsense.
Genome position (GRCh38, 1-based): chr3:94,084,156, C>T. VCF-style: chr3-94084156-C-T. GRCh37 (hg19) VCF-style: chr3-93803000-C-T.
Other names: short protein forms R58*.
Identifiers: ClinVar variation 2188808 (VCV002188808.5), dbSNP rs199659889, ClinGen allele CA2504646.
Genomic context (GRCh38, chr3:94,084,156, plus strand): 5'-TCTATTTCTAGGGAGATACTAACATCTCCATCATGCTGGCAATATGCTGTCCTGCTTAAC[C>T]GATTCAATTATCCTTTTGAACTGGAAAAGGATTTACATTTGAAGGGCTATCACACACTCT-3'

ClinVar aggregate classification (germline): Uncertain significance. Review status: criteria provided, multiple submitters, no conflicts (2 of 4 stars). 2 submissions from 2 submitters: Uncertain significance (2). Last evaluated 2025-03-06.

Allele frequency attached by ClinVar (database versions not stated): gnomAD exomes 0.00002; ExAC 0.00003; gnomAD 0.00004; TOPMed 0.00005; ESP Exome Variant Server 0.00023.
gnomAD v4.1: 32 of 1,613,998 alleles (0.002%); highest among the groups gnomAD compares: African/African-American, 0.0093%; no homozygotes.

Submissions (2):

Women's Health and Genetics/Laboratory Corporation of America, LabCorp
Classification: Uncertain significance. Last evaluated: 2025-03-06. Review status: criteria provided, single submitter. Criteria: LabCorp Variant Classification Summary - May 2015. Collection method: clinical testing. Allele origin: germline.
Comment: Variant summary: NSUN3 c.172C>T (p.Arg58X) results in a premature termination codon, predicted to cause a truncation of the encoded protein or absence of the protein due to nonsense mediated decay, however current evidence is not sufficient to establish loss of function as a mechanism for disease. The variant allele was found at a frequency of 2.4e-05 in 251162 control chromosomes. The available data on variant occurrences in the general population are insufficient to allow any conclusion about variant significance. To our knowledge, no occurrence of c.172C>T in individuals affected with Combined Oxidative Phosphorylation Deficiency 48 and no experimental evidence demonstrating its impact on protein function have been reported. ClinVar contains an entry for this variant (Variation ID: 2188808). Based on the evidence outlined above, the variant was classified as uncertain significance.

Labcorp Genetics (formerly Invitae), Labcorp
Classification: Uncertain significance. Last evaluated: 2022-07-24. Review status: criteria provided, single submitter. Criteria: Invitae Variant Classification Sherloc (09022015). Collection method: clinical testing. Allele origin: germline.
Comment: This sequence change creates a premature translational stop signal (p.Arg58*) in the NSUN3 gene. It is expected to result in an absent or disrupted protein product. However, the current clinical and genetic evidence is not sufficient to establish whether loss-of-function variants in NSUN3 cause disease. This variant is present in population databases (rs199659889, gnomAD 0.03%). This variant has not been reported in the literature in individuals affected with NSUN3-related conditions. In summary, the available evidence is currently insufficient to determine the role of this variant in disease. Therefore, it has been classified as a Variant of Uncertain Significance.